The following is an entry in ClinVar:

ClinVar aggregate classification (germline): Conflicting classifications of pathogenicity. Review status: criteria provided, conflicting classifications (1 of 4 stars). 5 submissions from 5 submitters: Uncertain significance (2); Likely benign (2). 1 of the submissions does not count toward it. Last evaluated 2025-02-01.

Conditions:
Inborn genetic diseases. Identifiers: MedGen C0950123, MeSH D030342.
Retinitis pigmentosa 25 (RP25). Identifiers: Orphanet 791, MedGen C1864446, MONDO:0011272, OMIM 602772.
EYS-related disorder. Also called: EYS-related condition.

Allele frequency attached by ClinVar (database versions not stated): gnomAD exomes 0.00013; ExAC 0.00025; ESP Exome Variant Server 0.00044; gnomAD 0.00044 and 0.00047; TOPMed 0.00056; 1000 Genomes Project 30x 0.00141; 1000 Genomes Project 0.00160.
gnomAD v4.1: 164 of 1,551,100 alleles (0.011%); highest among the groups gnomAD compares: African/African-American, 0.18%; no homozygotes.

Submissions (5):

Ambry Genetics
Classification: Likely benign for Inborn genetic diseases. Last evaluated: 2025-02-01. Review status: criteria provided, single submitter. Criteria: Ambry Variant Classification Scheme 2023. Collection method: clinical testing. Allele origin: germline.

PreventionGenetics, part of Exact Sciences
Classification: Likely benign for EYS-related condition. Last evaluated: 2025-01-29. Review status: criteria provided, single submitter. Criteria: ACMG Guidelines, 2015. Collection method: clinical testing. Allele origin: germline.
Comment: This variant is classified as likely benign based on ACMG/AMP sequence variant interpretation guidelines (Richards et al. 2015 PMID: 25741868, with internal and published modifications).

Blueprint Genetics
Classification: Uncertain significance. Last evaluated: 2023-11-27. Review status: criteria provided, single submitter. Criteria: ACMG Guidelines, 2015. Collection method: clinical testing. Allele origin: germline.

Labcorp Genetics (formerly Invitae), Labcorp
Classification: Uncertain significance. Last evaluated: 2022-10-04. Review status: criteria provided, single submitter. Criteria: Invitae Variant Classification Sherloc (09022015). Collection method: clinical testing. Allele origin: germline.
Comment: This sequence change replaces arginine, which is basic and polar, with tryptophan, which is neutral and slightly polar, at codon 1856 of the EYS protein (p.Arg1856Trp). This variant is present in population databases (rs116561042, gnomAD 0.2%). This variant has not been reported in the literature in individuals affected with EYS-related conditions. ClinVar contains an entry for this variant (Variation ID: 840784). Algorithms developed to predict the effect of missense changes on protein structure and function output the following: SIFT: "Tolerated"; PolyPhen-2: "Benign"; Align-GVGD: "Class C0". The tryptophan amino acid residue is found in multiple mammalian species, which suggests that this missense change does not adversely affect protein function. In summary, the available evidence is currently insufficient to determine the role of this variant in disease. Therefore, it has been classified as a Variant of Uncertain Significance.

Natera, Inc.
Classification: Uncertain significance for Retinitis pigmentosa type 25. Last evaluated: 2020-01-24. Review status: no assertion criteria provided. Collection method: clinical testing. Allele origin: germline. Not counted in ClinVar's aggregate classification.

NM_001142800.2(EYS):c.5566C>T (p.Arg1856Trp)

Gene: EYS (EGF-like photoreceptor maintenance factor; minus strand). Cytogenetic location: 6q12.
Variant type: single nucleotide variant.
Coding change: c.5566C>T on transcript NM_001142800.2 (MANE Select); coding-DNA position 5566, C replaced by T.
Protein change: p.Arg1856Trp; replaces arginine 1856 with tryptophan.
Molecular consequence: missense variant.
Genome position (GRCh38, 1-based): chr6:64,590,301, G>A on the plus strand (C>T on the coding strand, the complement: EYS is on the minus strand). VCF-style: chr6-64590301-G-A. GRCh37 (hg19) VCF-style: chr6-65300194-G-A.
Other names: c.5566C>T, p.Arg1856Trp (NM_001292009.2); short protein forms R1856W.
Identifiers: ClinVar variation 840784 (VCV000840784.7), dbSNP rs116561042, ClinGen allele CA3877009.